The following is an entry in ClinVar:

NM_016938.5(EFEMP2):c.680G>A (p.Arg227His)

Gene: EFEMP2 (EGF-like fibulin extracellular matrix protein 2; minus strand). Cytogenetic location: 11q13.1.
Variant type: single nucleotide variant.
Coding change: c.680G>A on transcript NM_016938.5 (MANE Select); coding-DNA position 680, G replaced by A.
Protein change: p.Arg227His; replaces arginine 227 with histidine.
Molecular consequence: missense variant. On other transcripts: non-coding transcript variant (1).
Genome position (GRCh38, 1-based): chr11:65,869,904, C>T on the plus strand (G>A on the coding strand, the complement: EFEMP2 is on the minus strand). VCF-style: chr11-65869904-C-T. GRCh37 (hg19) VCF-style: chr11-65637375-C-T.
Other names: short protein forms R227H.
Identifiers: ClinVar variation 3087520 (VCV003087520.2), dbSNP rs1378442215, ClinGen allele CA381358954.
Genomic context (GRCh38, chr11:65,869,904, plus strand): 5'-ATGGAGCTCTCACCACTGCAGGAGAAGCCATCCCGATGCAGCTCATAGCCCTGGTGGCAG[C>T]GACACAGGAAGGTCCCATAGGAGTTGAAGCAGCGCTGCTCGCATGGGGCCCCCATGTCAC-3'
Protein context (NP_058634.4, residues 217-237): CFNSYGTFLC[Arg227His]CHQGYELHRD

ClinVar aggregate classification (germline): Uncertain significance (1 of 4 stars; one submission).

Conditions:
Cardiovascular phenotype. Identifiers: MedGen CN230736.

Allele frequency attached by ClinVar (database versions not stated): gnomAD 0.00001; TOPMed 0.00001; gnomAD exomes 0.00001.

Submission:

Ambry Genetics
Classification: Uncertain significance for Cardiovascular phenotype. Last evaluated: 2026-05-20. Review status: criteria provided, single submitter. Criteria: Ambry Variant Classification Scheme 2023. Collection method: clinical testing. Allele origin: germline.
Comment: The p.R227H variant (also known as c.680G>A), located in coding exon 6 of the EFEMP2 gene, results from a G to A substitution at nucleotide position 680. The arginine at codon 227 is replaced by histidine, an amino acid with highly similar properties. This amino acid position is conserved. In addition, this alteration is predicted to be deleterious by in silico analysis. Based on the available evidence, the clinical significance of this variant remains unclear.